The following is an entry in ClinVar:

ClinVar aggregate classification (germline): Uncertain significance (0 of 4 stars; one submission).

Conditions:
SQSTM1-related disorder. Also called: SQSTM1-Related Disorders.

Submission:

PreventionGenetics, part of Exact Sciences
Classification: Uncertain significance for SQSTM1-related condition. Last evaluated: 2024-09-28. Review status: no assertion criteria provided. Collection method: clinical testing. Allele origin: germline.
Comment: The SQSTM1 c.222G>C variant is predicted to result in the amino acid substitution p.Leu74Phe. To our knowledge, this variant has not been reported in the literature or in a large population database, indicating it is rare. At this time, the clinical significance of this variant is uncertain due to the absence of conclusive functional and genetic evidence.

NM_003900.5(SQSTM1):c.222G>C (p.Leu74Phe)

Gene: SQSTM1 (sequestosome 1; plus strand). Cytogenetic location: 5q35.3.
Variant type: single nucleotide variant.
Coding change: c.222G>C on transcript NM_003900.5 (MANE Select); coding-DNA position 222, G replaced by C.
Protein change: p.Leu74Phe; replaces leucine 74 with phenylalanine.
Molecular consequence: missense variant. On other transcripts: 5 prime UTR variant (2).
Genome position (GRCh38, 1-based): chr5:179,822,974, G>C. VCF-style: chr5-179822974-G-C. GRCh37 (hg19) VCF-style: chr5-179249974-G-C.
Other names: c.-31G>C (NM_001142298.2, NM_001142299.2); short protein forms L74F.
Identifiers: ClinVar variation 3357184 (VCV003357184.1).
Genomic context (GRCh38, chr5:179,822,974, plus strand): 5'-TGAGAACCCCTGGGTGCTCACGTGCTGTCTTTTAAACAATCTAGATGAGGACGGGGACTT[G>C]GTTGCCTTTTCCAGTGACGAGGAATTGACAATGGCCATGTCCTACGTGAAGGATGACATC-3'
Protein context (NP_003891.1, residues 64-84): QAHYRDEDGD[Leu74Phe]VAFSSDEELT